The following is an entry in ClinVar:

ClinVar aggregate classification (germline): Pathogenic (1 of 4 stars; one submission).

Conditions:
Hereditary cancer-predisposing syndrome. Also called: Neoplastic Syndromes, Hereditary; Tumor predisposition; Hereditary Cancer Syndrome; Hereditary neoplastic syndrome. Identifiers: Orphanet 140162, MedGen C0027672, MeSH D009386, MONDO:0015356.

Submission:

Ambry Genetics
Classification: Pathogenic for Hereditary cancer-predisposing syndrome. Last evaluated: 2024-07-23. Review status: criteria provided, single submitter. Criteria: Ambry Variant Classification Scheme 2023. Collection method: clinical testing. Allele origin: germline.
Comment: The c.445G>T (p.E149*) alteration, located in exon 3 (coding exon 3) of the PTCH1 gene, consists of a G to T substitution at nucleotide position 445. This changes the amino acid from a glutamic acid (E) to a stop codon at amino acid position 149. This alteration is expected to result in loss of function by premature protein truncation or nonsense-mediated mRNA decay. This variant was not reported in population-based cohorts in the Genome Aggregation Database (gnomAD). Based on the available evidence, this alteration is classified as pathogenic.

NM_000264.5(PTCH1):c.445G>T (p.Glu149Ter)

Gene: PTCH1 (patched 1; minus strand). Cytogenetic location: 9q22.32.
Variant type: single nucleotide variant.
Coding change: c.445G>T on transcript NM_000264.5 (MANE Select); coding-DNA position 445, G replaced by T.
Protein change: p.Glu149Ter; replaces glutamic acid 149 with a stop codon.
Molecular consequence: nonsense. On other transcripts: 5 prime UTR variant (4), non-coding transcript variant (1).
Genome position (GRCh38, 1-based): chr9:95,485,824, C>A on the plus strand (G>T on the coding strand, the complement: PTCH1 is on the minus strand). VCF-style: chr9-95485824-C-A. GRCh37 (hg19) VCF-style: chr9-98248106-C-A.
Other names: c.247G>T, p.Glu83Ter (NM_001083602.3, NM_001354919.2); c.442G>T, p.Glu148Ter (NM_001083603.3); c.-9G>T (NM_001083604.3, NM_001083605.3, NM_001083606.3 and 1 more transcripts); c.445G>T, p.Glu149Ter (NM_001354918.2); short protein forms E148*, E83*, E149*.
Identifiers: ClinVar variation 3427351 (VCV003427351.1).
Genomic context (GRCh38, chr9:95,485,824, plus strand): 5'-CATTAGCACCTTCTTCTTTAGGGGTCTGTATCATGAGTTGAGGATTAAACATAGCCTCTT[C>A]TCCAATCTTCTGGCGAGTATAATTTAATTCACGACTTACTCGTCCTCCAACTGACAAATA-3'